The following is an entry in ClinVar:

NM_015512.5(DNAH1):c.1835G>A (p.Arg612His)

Gene: DNAH1 (dynein axonemal heavy chain 1; plus strand). Cytogenetic location: 3p21.1.
Variant type: single nucleotide variant.
Coding change: c.1835G>A on transcript NM_015512.5 (MANE Select); coding-DNA position 1835, G replaced by A.
Protein change: p.Arg612His; replaces arginine 612 with histidine.
Molecular consequence: missense variant.
Genome position (GRCh38, 1-based): chr3:52,346,650, G>A. VCF-style: chr3-52346650-G-A. GRCh37 (hg19) VCF-style: chr3-52380666-G-A.
Other names: short protein forms R612H.
Identifiers: ClinVar variation 843530 (VCV000843530.4), dbSNP rs371402883, ClinGen allele CA2433062.

ClinVar aggregate classification (germline): Uncertain significance (1 of 4 stars; one submission).

Conditions:
Spermatogenic failure 18. Identifiers: MedGen C4539783, MONDO:0054615, OMIM 617576.
Ciliary dyskinesia, primary, 37 (CILD37). Also called: CILIARY DYSKINESIA, PRIMARY, 37, WITH OR WITHOUT SITUS INVERSUS. Identifiers: MedGen C4539798, MONDO:0033204, OMIM 617577.

Allele frequency attached by ClinVar (database versions not stated): gnomAD exomes 0.00001; ExAC 0.00002; gnomAD 0.00003; TOPMed 0.00004; ESP Exome Variant Server 0.00008.
gnomAD v4.1: 16 of 1,613,936 alleles (0.00099%); highest among the groups gnomAD compares: African/African-American, 0.004%; no homozygotes.

Submission:

Labcorp Genetics (formerly Invitae), Labcorp
Classification: Uncertain significance for Ciliary dyskinesia, primary, 37; Spermatogenic failure 18. Last evaluated: 2022-06-17. Review status: criteria provided, single submitter. Criteria: Invitae Variant Classification Sherloc (09022015). Collection method: clinical testing. Allele origin: germline.
Comment: This sequence change replaces arginine, which is basic and polar, with histidine, which is basic and polar, at codon 612 of the DNAH1 protein (p.Arg612His). This variant is present in population databases (rs371402883, gnomAD 0.004%). This variant has not been reported in the literature in individuals affected with DNAH1-related conditions. ClinVar contains an entry for this variant (Variation ID: 843530). Algorithms developed to predict the effect of missense changes on protein structure and function are either unavailable or do not agree on the potential impact of this missense change (SIFT: "Deleterious"; PolyPhen-2: "Possibly Damaging"; Align-GVGD: "Class C0"). In summary, the available evidence is currently insufficient to determine the role of this variant in disease. Therefore, it has been classified as a Variant of Uncertain Significance.